The following is an entry in ClinVar:

NM_012079.6(DGAT1):c.458G>C (p.Arg153Pro)

Gene: DGAT1 (diacylglycerol O-acyltransferase 1; minus strand). Cytogenetic location: 8q24.3.
Variant type: single nucleotide variant.
Coding change: c.458G>C on transcript NM_012079.6 (MANE Select); coding-DNA position 458, G replaced by C.
Protein change: p.Arg153Pro; replaces arginine 153 with proline.
Molecular consequence: missense variant.
Genome position (GRCh38, 1-based): chr8:144,318,709, C>G on the plus strand (G>C on the coding strand, the complement: DGAT1 is on the minus strand). VCF-style: chr8-144318709-C-G. GRCh37 (hg19) VCF-style: chr8-145542372-C-G.
Other names: short protein forms R153P.
Identifiers: ClinVar variation 2042905 (VCV002042905.4), dbSNP rs782459119, ClinGen allele CA372612553.

ClinVar aggregate classification (germline): Uncertain significance (1 of 4 stars; one submission).

gnomAD v4.1: 1 of 1,608,546 alleles (0.000062%); highest among the groups gnomAD compares: South Asian, 0.0011%; no homozygotes.

Submission:

Labcorp Genetics (formerly Invitae), Labcorp
Classification: Uncertain significance. Last evaluated: 2022-05-21. Review status: criteria provided, single submitter. Criteria: Invitae Variant Classification Sherloc (09022015). Collection method: clinical testing. Allele origin: germline.
Comment: This variant has not been reported in the literature in individuals affected with DGAT1-related conditions. In summary, the available evidence is currently insufficient to determine the role of this variant in disease. Therefore, it has been classified as a Variant of Uncertain Significance. Algorithms developed to predict the effect of missense changes on protein structure and function (SIFT, PolyPhen-2, Align-GVGD) all suggest that this variant is likely to be tolerated. The frequency data for this variant in the population databases is considered unreliable, as metrics indicate poor data quality at this position in the gnomAD database. This sequence change replaces arginine, which is basic and polar, with proline, which is neutral and non-polar, at codon 153 of the DGAT1 protein (p.Arg153Pro).